The following is an entry in ClinVar:

NM_138694.4(PKHD1):c.2284G>A (p.Val762Met)

Gene: PKHD1 (PKHD1 ciliary IPT domain containing fibrocystin/polyductin; minus strand). Cytogenetic location: 6p12.2.
Variant type: single nucleotide variant.
Coding change: c.2284G>A on transcript NM_138694.4 (MANE Select); coding-DNA position 2284, G replaced by A.
Protein change: p.Val762Met; replaces valine 762 with methionine.
Molecular consequence: missense variant.
Genome position (GRCh38, 1-based): chr6:52,048,615, C>T on the plus strand (G>A on the coding strand, the complement: PKHD1 is on the minus strand). VCF-style: chr6-52048615-C-T. GRCh37 (hg19) VCF-style: chr6-51913413-C-T.
Other names: c.2284G>A, p.Val762Met (NM_170724.3); short protein forms V762M.
Identifiers: ClinVar variation 2635607 (VCV002635607.1), dbSNP rs956352782, ClinGen allele CA138966530.

ClinVar aggregate classification (germline): Uncertain significance (1 of 4 stars; one submission).

Conditions:
PKHD1-related disorder. Also called: PKHD1-related condition.

Allele frequency attached by ClinVar (database versions not stated): gnomAD exomes below 0.00001; gnomAD 0.00001; TOPMed 0.00001.
gnomAD v4.1: 2 of 1,613,980 alleles (0.00012%); highest among the groups gnomAD compares: African/African-American, 0.0013%; no homozygotes.

Submission:

PreventionGenetics, part of Exact Sciences
Classification: Uncertain significance for PKHD1-related condition. Last evaluated: 2022-11-04. Review status: criteria provided, single submitter. Criteria: ACMG Guidelines, 2015. Collection method: clinical testing. Allele origin: germline.
Comment: The PKHD1 c.2284G>A variant is predicted to result in the amino acid substitution p.Val762Met. To our knowledge, this variant has not been reported in the literature or in a large population database, indicating this variant is rare. At this time, the clinical significance of this variant is uncertain due to the absence of conclusive functional and genetic evidence.